The following is an entry in ClinVar:

ClinVar aggregate classification (germline): Uncertain significance. Review status: criteria provided, multiple submitters, no conflicts (2 of 4 stars). 2 submissions from 2 submitters: Uncertain significance (2). Last evaluated 2025-08-14.

Conditions:
Inborn genetic diseases. Identifiers: MedGen C0950123, MeSH D030342.

Allele frequency attached by ClinVar (database versions not stated): TOPMed 0.00001; ExAC 0.00002; gnomAD 0.00003; gnomAD exomes 0.00003; 1000 Genomes Project 30x 0.00016; 1000 Genomes Project 0.00020.
gnomAD v4.1: 48 of 1,614,166 alleles (0.003%); highest among the groups gnomAD compares: Admixed American, 0.0067%; no homozygotes.

Submissions (2):

Ambry Genetics
Classification: Uncertain significance for Inborn genetic diseases. Last evaluated: 2025-08-14. Review status: criteria provided, single submitter. Criteria: Ambry Variant Classification Scheme 2023. Collection method: clinical testing. Allele origin: germline.

Labcorp Genetics (formerly Invitae), Labcorp
Classification: Uncertain significance. Last evaluated: 2025-06-22. Review status: criteria provided, single submitter. Criteria: Invitae Variant Classification Sherloc (09022015). Collection method: clinical testing. Allele origin: germline.
Comment: This sequence change replaces phenylalanine, which is neutral and non-polar, with leucine, which is neutral and non-polar, at codon 128 of the ELOVL5 protein (p.Phe128Leu). This variant is present in population databases (rs561304706, gnomAD 0.004%). This variant has not been reported in the literature in individuals affected with ELOVL5-related conditions. ClinVar contains an entry for this variant (Variation ID: 2174192). Invitae Evidence Modeling of protein sequence and biophysical properties (such as structural, functional, and spatial information, amino acid conservation, physicochemical variation, residue mobility, and thermodynamic stability) indicates that this missense variant is not expected to disrupt ELOVL5 protein function with a negative predictive value of 80%. In summary, the available evidence is currently insufficient to determine the role of this variant in disease. Therefore, it has been classified as a Variant of Uncertain Significance.

NM_021814.5(ELOVL5):c.382T>C (p.Phe128Leu)

Gene: ELOVL5 (ELOVL fatty acid elongase 5; minus strand). Cytogenetic location: 6p12.1.
Variant type: single nucleotide variant.
Coding change: c.382T>C on transcript NM_021814.5 (MANE Select); coding-DNA position 382, T replaced by C.
Protein change: p.Phe128Leu; replaces phenylalanine 128 with leucine.
Molecular consequence: missense variant.
Genome position (GRCh38, 1-based): chr6:53,275,204, A>G on the plus strand (T>C on the coding strand, the complement: ELOVL5 is on the minus strand). VCF-style: chr6-53275204-A-G. GRCh37 (hg19) VCF-style: chr6-53140002-A-G.
Other names: c.463T>C (NM_001242828.1); c.463T>C, p.Phe155Leu (NM_001242828.2); c.382T>C, p.Phe128Leu (NM_001242830.2, NM_001301856.2); short protein forms F128L, F155L.
Identifiers: ClinVar variation 2174192 (VCV002174192.7), dbSNP rs561304706, ClinGen allele CA3859728.